The following is an entry in ClinVar:

ClinVar aggregate classification (germline): Benign. Review status: criteria provided, multiple submitters, no conflicts (2 of 4 stars). 3 submissions from 3 submitters: Benign (3). Last evaluated 2018-12-06.

Allele frequency attached by ClinVar (database versions not stated): gnomAD exomes 0.05715; ExAC 0.07478; gnomAD 0.09212 and 0.09416; TOPMed 0.10145; 1000 Genomes Project 0.12141; 1000 Genomes Project 30x 0.12242.
gnomAD v4.1: 50,089 of 1,454,900 alleles (3.4%); highest among the groups gnomAD compares: African/African-American, 23%; 2,756 homozygotes.

Submissions (3):

Athena Diagnostics
Classification: Benign. Last evaluated: 2018-12-06. Review status: criteria provided, single submitter. Criteria: Athena Diagnostics Criteria. Collection method: clinical testing. Allele origin: germline.

GeneDx
Classification: Benign. Last evaluated: 2017-05-09. Review status: criteria provided, single submitter. Criteria: GeneDx Variant Classification (06012015). Collection method: clinical testing. Allele origin: germline. Affected: yes.
Comment: This variant is considered likely benign or benign based on one or more of the following criteria: it is a conservative change, it occurs at a poorly conserved position in the protein, it is predicted to be benign by multiple in silico algorithms, and/or has population frequency not consistent with disease.

Breakthrough Genomics
Classification: Benign. Review status: criteria provided, single submitter. Criteria: ACMG Guidelines, 2015. Collection method: not provided. Allele origin: germline. Inheritance: Autosomal recessive inheritance. Affected: yes.

NM_001145026.2(PTPRQ):c.50C>T (p.Thr17Ile)

Gene: PTPRQ (protein tyrosine phosphatase receptor type Q; plus strand). Cytogenetic location: 12q21.31.
Variant type: single nucleotide variant.
Coding change: c.50C>T on transcript NM_001145026.2 (MANE Select); coding-DNA position 50, C replaced by T.
Protein change: p.Thr17Ile; replaces threonine 17 with isoleucine.
Molecular consequence: missense variant.
Genome position (GRCh38, 1-based): chr12:80,444,395, C>T. VCF-style: chr12-80444395-C-T. GRCh37 (hg19) VCF-style: chr12-80838175-C-T.
Other names: short protein forms T17I.
Identifiers: ClinVar variation 508618 (VCV000508618.3), dbSNP rs60216135, ClinGen allele CA6702283.